The following is an entry in ClinVar:

ClinVar aggregate classification (germline): Uncertain significance. Review status: criteria provided, multiple submitters, no conflicts (2 of 4 stars). 4 submissions from 4 submitters: Uncertain significance (4). Last evaluated 2025-11-03.

Conditions:
ANKRD26-related disorder. Also called: ANKRD26-related condition.

gnomAD v4.1: 12 of 1,613,162 alleles (0.00074%); highest among the groups gnomAD compares: East Asian, 0.0022%; no homozygotes.

Submissions (4):

Labcorp Genetics (formerly Invitae), Labcorp
Classification: Uncertain significance. Last evaluated: 2025-11-03. Review status: criteria provided, single submitter. Criteria: Invitae Variant Classification Sherloc (09022015). Collection method: clinical testing. Allele origin: germline.
Comment: This sequence change replaces glutamic acid, which is acidic and polar, with glutamine, which is neutral and polar, at codon 820 of the ANKRD26 protein (p.Glu820Gln). The frequency data for this variant in the population databases is considered unreliable, as metrics indicate poor data quality at this position in the gnomAD database. This variant has not been reported in the literature in individuals affected with ANKRD26-related conditions. ClinVar contains an entry for this variant (Variation ID: 1338280). An algorithm developed to predict the effect of missense changes on protein structure and function (PolyPhen-2) suggests that this variant is likely to be disruptive. In summary, the available evidence is currently insufficient to determine the role of this variant in disease. Therefore, it has been classified as a Variant of Uncertain Significance.

PreventionGenetics, part of Exact Sciences
Classification: Uncertain significance for ANKRD26-related condition. Last evaluated: 2023-09-11. Review status: criteria provided, single submitter. Criteria: ACMG Guidelines, 2015. Collection method: clinical testing. Allele origin: germline.
Comment: The ANKRD26 c.2458G>C variant is predicted to result in the amino acid substitution p.Glu820Gln. To our knowledge, this variant has not been reported in the literature. This variant is reported in 0.011% of alleles in individuals of East Asian descent in gnomAD. At this time, the clinical significance of this variant is uncertain due to the absence of conclusive functional and genetic evidence.

GeneDx
Classification: Uncertain significance. Last evaluated: 2022-09-20. Review status: criteria provided, single submitter. Criteria: GeneDx Variant Classification Process June 2021. Collection method: clinical testing. Allele origin: germline. Affected: yes.
Comment: Not observed at significant frequency in large population cohorts (gnomAD); In silico analysis supports that this missense variant does not alter protein structure/function; Has not been previously published as pathogenic or benign to our knowledge

Genetic Services Laboratory, University of Chicago
Classification: Uncertain significance. Last evaluated: 2017-09-14. Review status: criteria provided, single submitter. Criteria: ACMG Guidelines, 2015. Collection method: clinical testing. Allele origin: germline. Affected: no.

NM_014915.3(ANKRD26):c.2458G>C (p.Glu820Gln)

Gene: ANKRD26 (ankyrin repeat domain 26; minus strand). Cytogenetic location: 10p12.1.
Variant type: single nucleotide variant.
Coding change: c.2458G>C on transcript NM_014915.3 (MANE Select); coding-DNA position 2458, G replaced by C.
Protein change: p.Glu820Gln; replaces glutamic acid 820 with glutamine.
Molecular consequence: missense variant.
Genome position (GRCh38, 1-based): chr10:27,037,972, C>G on the plus strand (G>C on the coding strand, the complement: ANKRD26 is on the minus strand). VCF-style: chr10-27037972-C-G. GRCh37 (hg19) VCF-style: chr10-27326901-C-G.
Other names: c.2455G>C, p.Glu819Gln (NM_001256053.2); short protein forms E819Q, E820Q.
Identifiers: ClinVar variation 1338280 (VCV001338280.8), dbSNP rs746927502, ClinGen allele CA376366716.